The following is an entry in ClinVar:

ClinVar aggregate classification (germline): Uncertain significance. Review status: criteria provided, multiple submitters, no conflicts (2 of 4 stars). 2 submissions from 2 submitters: Uncertain significance (2). Last evaluated 2026-01-26.

Allele frequency attached by ClinVar (database versions not stated): gnomAD exomes below 0.00001; ExAC 0.00001.

Submissions (2):

Labcorp Genetics (formerly Invitae), Labcorp
Classification: Uncertain significance. Last evaluated: 2026-01-26. Review status: criteria provided, single submitter. Criteria: Invitae Variant Classification Sherloc (09022015). Collection method: clinical testing. Allele origin: germline.
Comment: This sequence change replaces asparagine, which is neutral and polar, with serine, which is neutral and polar, at codon 371 of the DHX38 protein (p.Asn371Ser). This variant is present in population databases (rs775320292, gnomAD 0.001%). This variant has not been reported in the literature in individuals affected with DHX38-related conditions. ClinVar contains an entry for this variant (Variation ID: 1062227). Invitae Evidence Modeling of protein sequence and biophysical properties (such as structural, functional, and spatial information, amino acid conservation, physicochemical variation, residue mobility, and thermodynamic stability) indicates that this missense variant is not expected to disrupt DHX38 protein function with a negative predictive value of 80%. In summary, the available evidence is currently insufficient to determine the role of this variant in disease. Therefore, it has been classified as a Variant of Uncertain Significance.

Ambry Genetics
Classification: Uncertain significance. Last evaluated: 2025-08-04. Review status: criteria provided, single submitter. Criteria: Ambry Variant Classification Scheme 2023. Collection method: clinical testing. Allele origin: germline.

NM_014003.4(DHX38):c.1112A>G (p.Asn371Ser)

Gene: DHX38 (DEAH-box helicase 38; plus strand). Cytogenetic location: 16q22.2.
Variant type: single nucleotide variant.
Coding change: c.1112A>G on transcript NM_014003.4 (MANE Select); coding-DNA position 1112, A replaced by G.
Protein change: p.Asn371Ser; replaces asparagine 371 with serine.
Molecular consequence: missense variant.
Genome position (GRCh38, 1-based): chr16:72,099,883, A>G. VCF-style: chr16-72099883-A-G. GRCh37 (hg19) VCF-style: chr16-72133782-A-G.
Other names: c.1112A>G (NM_014003.3); short protein forms N371S.
Identifiers: ClinVar variation 1062227 (VCV001062227.8), dbSNP rs775320292, ClinGen allele CA8160205.